The following is an entry in ClinVar:

NM_003185.4(TAF4):c.962del (p.Gly321fs)

Genes: MIR3195 (microRNA 3195; plus strand), TAF4 (TATA-box binding protein associated factor 4; minus strand). Cytogenetic location: 20q13.33.
Variant type: Deletion.
Coding change: c.962del on transcript NM_003185.4 (MANE Select); coding-DNA position 962, one base deleted (G; older notation c.962delG).
Protein change: p.Gly321fs; shifts the reading frame from glycine 321.
Molecular consequence: frameshift variant. On other transcripts: non-coding transcript variant (1).
Genome position (GRCh38, 1-based): chr20:62,064,849, C deleted on the plus strand (G on the coding strand, the reverse complement: TAF4 is on the minus strand); the first of 5 consecutive C bases (chr20:62,064,849-62,064,853); deleting any one gives the same sequence. VCF-style (leftmost placement, unchanged base first): chr20-62064848-GC-G. GRCh37 (hg19) VCF-style: chr20-60639904-GC-G.
Other names: short protein forms G321fs.
Identifiers: ClinVar variation 3587593 (VCV003587593.3).

ClinVar aggregate classification (germline): Likely pathogenic. Review status: criteria provided, multiple submitters, no conflicts (2 of 4 stars). 2 submissions from 2 submitters: Likely pathogenic (2). Last evaluated 2026-01-30.

Conditions:
Intellectual developmental disorder, autosomal dominant 73 (MRD73). Also called: TAF4-RELATED NDD; TAF4-RELATED NEURODEVELOPMENTAL DISORDER. Identifiers: MedGen C5830636, MONDO:0957536, OMIM 620450.

Submissions (2):

Dasa
Classification: Likely pathogenic. Last evaluated: 2026-01-30. Review status: criteria provided, single submitter. Criteria: DASA Assertion Criteria. Collection method: clinical testing. Allele origin: germline.
Comment: NM_003185.4(TAF4):c.962del (p.Gly321Alafs*88) is a frameshift variant in TAF4 predicted to alter the reading frame and introduce a premature termination codon and is predicted to result in an absent or altered protein product. Loss of function is an established disease mechanism for TAF4-associated disorders. Also, this variant is rare in population databases. Based on the currently available evidence, this variant is classified as likely pathogenic.

Fulgent Genetics
Classification: Likely pathogenic for Intellectual developmental disorder, autosomal dominant 73. Last evaluated: 2024-04-10. Review status: criteria provided, single submitter. Criteria: ACMG Guidelines, 2015. Collection method: clinical testing. Allele origin: germline.